The following is an entry in ClinVar:

NM_000342.4(SLC4A1):c.1626+1G>A

Gene: SLC4A1 (solute carrier family 4 member 1 (Diego blood group); minus strand). Cytogenetic location: 17q21.31.
Variant type: single nucleotide variant.
Coding change: c.1626+1G>A on transcript NM_000342.4 (MANE Select); the canonical splice donor site of the intron after coding-DNA position 1626, G replaced by A.
Molecular consequence: splice donor variant.
Genome position (GRCh38, 1-based): chr17:44,257,349, C>T on the plus strand (G>A on the coding strand, the complement: SLC4A1 is on the minus strand). VCF-style: chr17-44257349-C-T. GRCh37 (hg19) VCF-style: chr17-42334717-C-T.
Identifiers: ClinVar variation 4077540 (VCV004077540.2).

ClinVar aggregate classification (germline): Likely pathogenic. Review status: criteria provided, multiple submitters, no conflicts (2 of 4 stars). 2 submissions from 2 submitters: Likely pathogenic (2). Last evaluated 2025-07-19.

gnomAD v4.1: 1 of 1,613,836 alleles (0.000062%); highest among the groups gnomAD compares: South Asian, 0.0011%; no homozygotes.

Submissions (2):

Labcorp Genetics (formerly Invitae), Labcorp
Classification: Likely pathogenic. Last evaluated: 2025-07-19. Review status: criteria provided, single submitter. Criteria: Invitae Variant Classification Sherloc (09022015). Collection method: clinical testing. Allele origin: germline.
Comment: This sequence change affects a donor splice site in intron 13 of the SLC4A1 gene. It is expected to disrupt RNA splicing. Variants that disrupt the donor or acceptor splice site typically lead to a loss of protein function (PMID: 16199547), and loss-of-function variants in SLC4A1 are known to be pathogenic (PMID: 8943874, 10926824, 23255290). This variant is present in population databases (no rsID available, gnomAD 0.003%). Disruption of this splice site has been observed in individual(s) with SLC4A1-related conditions (PMID: 38195192). Algorithms developed to predict the effect of sequence changes on RNA splicing suggest that this variant may disrupt the consensus splice site. In summary, the currently available evidence indicates that the variant is pathogenic, but additional data are needed to prove that conclusively. Therefore, this variant has been classified as Likely Pathogenic.

Revvity Omics, Revvity
Classification: Likely pathogenic. Last evaluated: 2023-08-31. Review status: criteria provided, single submitter. Criteria: ACMG Guidelines, 2015. Collection method: clinical testing. Allele origin: germline.

Literature cited by the submitters: PubMed 16199547 (cited by Labcorp Genetics (formerly Invitae), Labcorp); PubMed 8943874 (cited by Labcorp Genetics (formerly Invitae), Labcorp); PubMed 10926824 (cited by Labcorp Genetics (formerly Invitae), Labcorp); PubMed 23255290 (cited by Labcorp Genetics (formerly Invitae), Labcorp); PubMed 38195192 (cited by Labcorp Genetics (formerly Invitae), Labcorp).